The following is an entry in ClinVar:

ClinVar aggregate classification (germline): Uncertain significance (1 of 4 stars; one submission).

Conditions:
Hereditary spastic paraplegia 64. Also called: Spastic paraplegia 64, autosomal recessive; ENTPD1-Related Neurodevelopmental Disorder. Identifiers: Orphanet 401810, MedGen C3810289, MONDO:0014303, OMIM 615683.

Allele frequency attached by ClinVar (database versions not stated): gnomAD exomes below 0.00001 and 0.00001; ExAC 0.00003.
gnomAD v4.1: 2 of 1,614,074 alleles (0.00012%); highest among the groups gnomAD compares: Admixed American, 0.0033%; no homozygotes.

Submission:

Baylor Genetics
Classification: Uncertain significance for Hereditary spastic paraplegia 64. Last evaluated: 2020-07-27. Review status: criteria provided, single submitter. Criteria: ACMG Guidelines, 2015. Collection method: clinical testing. Allele origin: unknown. Affected: yes.
Comment: This variant was determined to be of uncertain significance according to ACMG Guidelines, 2015 [PMID:25741868].

NM_001776.6(ENTPD1):c.*7C>T

Genes: ENTPD1 (ectonucleoside triphosphate diphosphohydrolase 1; plus strand), ENTPD1-AS1 (ENTPD1 antisense RNA 1; minus strand). Cytogenetic location: 10q24.1.
Variant type: single nucleotide variant.
Coding change: c.*7C>T on transcript NM_001776.6 (MANE Select); 7 bases downstream of the stop codon, C replaced by T.
Molecular consequence: 3 prime UTR variant. On other transcripts: intron variant (1).
Genome position (GRCh38, 1-based): chr10:95,866,390, C>T. VCF-style: chr10-95866390-C-T. GRCh37 (hg19) VCF-style: chr10-97626147-C-T.
Other names: c.*7C>T (NM_001098175.2, NM_001164178.1, NM_001164179.2 and 4 more transcripts); c.1362+1529C>T (NM_001320916.1).
Identifiers: ClinVar variation 1030478 (VCV001030478.1), dbSNP rs754891950, ClinGen allele CA5621677.